The following is an entry in ClinVar:

NM_002474.3(MYH11):c.781A>G (p.Ile261Val)

Gene: MYH11 (myosin heavy chain 11; minus strand). Cytogenetic location: 16p13.11.
Variant type: single nucleotide variant.
Coding change: c.781A>G on transcript NM_002474.3 (MANE Select); coding-DNA position 781, A replaced by G.
Protein change: p.Ile261Val; replaces isoleucine 261 with valine.
Molecular consequence: missense variant.
Genome position (GRCh38, 1-based): chr16:15,778,789, T>C on the plus strand (A>G on the coding strand, the complement: MYH11 is on the minus strand). VCF-style: chr16-15778789-T-C. GRCh37 (hg19) VCF-style: chr16-15872646-T-C.
Other names: c.802A>G, p.Ile268Val (NM_001040113.2, NM_001040114.2); c.781A>G, p.Ile261Val (NM_022844.3); short protein forms I261V, I268V.
Identifiers: ClinVar variation 3074800 (VCV003074800.2), dbSNP rs781220570, ClinGen allele CA7922822.
Genomic context (GRCh38, chr16:15,778,789, plus strand): 5'-ATTGGTAGGGGGCAGGGGTACCCATTTGGCCCAGGCTCAGGGAAAGGATACAGGTCTCAA[T>C]GTTGGCTCCCACGATGTAACCCGTGACGTCGAAGTTGATGCGGATGAATTTGCCCTGCCA-3'
Protein context (NP_002465.1, residues 251-271): DVTGYIVGAN[Ile261Val]ETYLLEKSRA

ClinVar aggregate classification (germline): Uncertain significance. Review status: criteria provided, multiple submitters, no conflicts (2 of 4 stars). 2 submissions from 2 submitters: Uncertain significance (2). Last evaluated 2024-09-04.

Conditions:
Familial thoracic aortic aneurysm and aortic dissection (TAAD). Also called: Thoracic aortic aneurysms and dissections. Identifiers: Orphanet 91387, MedGen C4707243, MONDO:0019625.

Allele frequency attached by ClinVar (database versions not stated): ExAC 0.00001.
gnomAD v4.1: 4 of 1,614,098 alleles (0.00025%); highest among the groups gnomAD compares: South Asian, 0.0022%; no homozygotes.

Submissions (2):

Women's Health and Genetics/Laboratory Corporation of America, LabCorp
Classification: Uncertain significance. Last evaluated: 2024-09-04. Review status: criteria provided, single submitter. Criteria: LabCorp Variant Classification Summary - May 2015. Collection method: clinical testing. Allele origin: germline.
Comment: Variant summary: MYH11 c.802A>G (p.Ile268Val) results in a conservative amino acid change located in the myosin head, motor domain (IPR001609) of the encoded protein sequence. Three of five in-silico tools predict a damaging effect of the variant on protein function. The variant allele was found at a frequency of 8e-06 in 251486 control chromosomes. The available data on variant occurrences in the general population are insufficient to allow any conclusion about variant significance. To our knowledge, no occurrence of c.802A>G in individuals affected with aortopathy and no experimental evidence demonstrating its impact on protein function have been reported. ClinVar contains an entry for this variant (Variation ID: 3074800). Based on the evidence outlined above, the variant was classified as uncertain significance.

All of Us Research Program, National Institutes of Health
Classification: Uncertain significance for Familial thoracic aortic aneurysm and aortic dissection. Last evaluated: 2023-12-13. Review status: criteria provided, single submitter. Criteria: ACMG Guidelines, 2015. Collection method: clinical testing. Allele origin: germline. Inheritance: Autosomal dominant inheritance. Observed: 1 variant allele, 1 heterozygote.
Comment: This missense variant replaces isoleucine with valine at codon 268 of the MYH11 protein. Computational prediction suggests that this variant may have deleterious impact on protein structure and function (internally defined REVEL score threshold >= 0.7, PMID: 27666373). To our knowledge, functional studies have not been reported for this variant. This variant has not been reported in individuals affected with MYH11-related disorders in the literature. This variant has been identified in 2/251486 chromosomes in the general population by the Genome Aggregation Database (gnomAD). The available evidence is insufficient to determine the role of this variant in disease conclusively. Therefore, this variant is classified as a Variant of Uncertain Significance.

This study involves interpretation of variants in research participants for the purpose of population health screening. Participant phenotype was not available at the time of variant classification. Additional details can be found in publication PMID: 35346344, PMCID: PMC8962531